The following is an entry in ClinVar:

ClinVar aggregate classification (germline): Uncertain significance (1 of 4 stars; one submission).

Submission:

Labcorp Genetics (formerly Invitae), Labcorp
Classification: Uncertain significance. Last evaluated: 2023-01-10. Review status: criteria provided, single submitter. Criteria: Invitae Variant Classification Sherloc (09022015). Collection method: clinical testing. Allele origin: germline.
Comment: In summary, the available evidence is currently insufficient to determine the role of this variant in disease. Therefore, it has been classified as a Variant of Uncertain Significance. Advanced modeling of protein sequence and biophysical properties (such as structural, functional, and spatial information, amino acid conservation, physicochemical variation, residue mobility, and thermodynamic stability) performed at Invitae indicates that this missense variant is not expected to disrupt GUCY2C protein function. This variant has not been reported in the literature in individuals affected with GUCY2C-related conditions. This variant is not present in population databases (gnomAD no frequency). This sequence change replaces leucine, which is neutral and non-polar, with proline, which is neutral and non-polar, at codon 718 of the GUCY2C protein (p.Leu718Pro).

NM_004963.4(GUCY2C):c.2153T>C (p.Leu718Pro)

Gene: GUCY2C (guanylate cyclase 2C; minus strand). Cytogenetic location: 12p12.3.
Variant type: single nucleotide variant.
Coding change: c.2153T>C on transcript NM_004963.4 (MANE Select); coding-DNA position 2153, T replaced by C.
Protein change: p.Leu718Pro; replaces leucine 718 with proline.
Molecular consequence: missense variant.
Genome position (GRCh38, 1-based): chr12:14,639,866, A>G on the plus strand (T>C on the coding strand, the complement: GUCY2C is on the minus strand). VCF-style: chr12-14639866-A-G. GRCh37 (hg19) VCF-style: chr12-14792800-A-G.
Other names: short protein forms L718P.
Identifiers: ClinVar variation 2809674 (VCV002809674.3), dbSNP rs2497676373, ClinGen allele CA383983478.